The following is an entry in ClinVar:

ClinVar aggregate classification (germline): Conflicting classifications of pathogenicity. Review status: criteria provided, conflicting classifications (1 of 4 stars). 9 submissions from 9 submitters: Uncertain significance (5); Benign (1); Likely benign (2). 1 of the submissions does not count toward it. Last evaluated 2025-12-29.

Conditions:
Ovarian cancer. Also called: OVARIAN CANCER, SOMATIC. Identifiers: Orphanet 213500, MedGen C1140680, MONDO:0008170, OMIM 167000.
Hereditary cancer-predisposing syndrome. Also called: Tumor predisposition; Hereditary neoplastic syndrome; Neoplastic Syndromes, Hereditary; Hereditary Cancer Syndrome. Identifiers: Orphanet 140162, MedGen C0027672, MeSH D009386, MONDO:0015356.
Familial adenomatous polyposis 1 (FAP1). Also called: FAMILIAL ADENOMATOUS POLYPOSIS 1, ATTENUATED; POLYPOSIS, ADENOMATOUS INTESTINAL. Identifiers: MedGen C2713442, MONDO:0021056, OMIM 175100. Disease mechanism: loss of function.

Allele frequency attached by ClinVar (database versions not stated): gnomAD exomes below 0.00001 and 0.00001; gnomAD 0.00002 and 0.00003; TOPMed 0.00002; 1000 Genomes Project 30x 0.00016; 1000 Genomes Project 0.00020.
gnomAD v4.1: 8 of 1,614,094 alleles (0.0005%); highest among the groups gnomAD compares: East Asian, 0.0067%; no homozygotes.

Submissions (9):

Center for Genomic Medicine, Rigshospitalet, Copenhagen University Hospital
Classification: Likely benign. Last evaluated: 2025-12-29. Review status: criteria provided, single submitter. Criteria: ACMG Guidelines, 2015. Collection method: clinical testing. Allele origin: germline.
Comment: Classification criteria: PS1_moderate, BS1, BP1

Labcorp Genetics (formerly Invitae), Labcorp
Classification: Uncertain significance for Familial adenomatous polyposis 1. Last evaluated: 2025-11-02. Review status: criteria provided, single submitter. Criteria: Invitae Variant Classification Sherloc (09022015). Collection method: clinical testing. Allele origin: germline.
Comment: This sequence change replaces arginine, which is basic and polar, with serine, which is neutral and polar, at codon 94 of the APC protein (p.Arg94Ser). This variant is present in population databases (rs550945533, gnomAD 0.007%). This variant has not been reported in the literature in individuals affected with APC-related conditions. ClinVar contains an entry for this variant (Variation ID: 371803). Invitae Evidence Modeling of protein sequence and biophysical properties (such as structural, functional, and spatial information, amino acid conservation, physicochemical variation, residue mobility, and thermodynamic stability) indicates that this missense variant is not expected to disrupt APC protein function with a negative predictive value of 95%. RNA analysis performed to evaluate the impact of this missense change on mRNA splicing indicates it does not significantly alter splicing (internal data). In summary, the available evidence is currently insufficient to determine the role of this variant in disease. Therefore, it has been classified as a Variant of Uncertain Significance.

Color Diagnostics, LLC DBA Color Health
Classification: Uncertain significance for Hereditary cancer-predisposing syndrome. Last evaluated: 2024-07-08. Review status: criteria provided, single submitter. Criteria: ACMG Guidelines, 2015. Collection method: clinical testing. Allele origin: germline.
Comment: This missense variant replaces arginine with serine at codon 94 of the APC protein. Computational prediction is inconclusive regarding the impact of this variant on protein structure and function (internally defined REVEL score threshold 0.5 < inconclusive < 0.7, PMID: 27666373). To our knowledge, functional studies have not been reported for this variant. This variant has not been reported in individuals affected with APC-related disorders in the literature. This variant has been identified in 3/251466 chromosomes in the general population by the Genome Aggregation Database (gnomAD). The available evidence is insufficient to determine the role of this variant in disease conclusively. Therefore, this variant is classified as a Variant of Uncertain Significance.

Ambry Genetics
Classification: Likely benign for Hereditary cancer-predisposing syndrome. Last evaluated: 2023-03-16. Review status: criteria provided, single submitter. Criteria: Ambry Variant Classification Scheme 2023. Collection method: clinical testing. Allele origin: germline.

Myriad Genetics, Inc.
Classification: Uncertain significance for Familial adenomatous polyposis 1. Last evaluated: 2023-02-14. Review status: criteria provided, single submitter. Criteria: Myriad Autosomal Dominant, Autosomal Recessive and X-Linked Classification Criteria (2023). Collection method: clinical testing. Allele origin: unknown.
Comment: This variant is classified as a variant of uncertain significance as there is insufficient evidence to determine its impact on protein function and/or cancer risk.

Baylor Genetics
Classification: Uncertain significance for Familial adenomatous polyposis 1. Last evaluated: 2022-09-19. Review status: criteria provided, single submitter. Criteria: ACMG Guidelines, 2015. Collection method: clinical testing. Allele origin: unknown.

Laboratory of Molecular Epidemiology of Birth Defects, West China Second University Hospital, Sichuan University
Classification: Benign for Ovarian cancer. Last evaluated: 2022-01-01. Review status: criteria provided, single submitter. Criteria: ACMG Guidelines, 2015. Collection method: clinical testing. Allele origin: germline. Affected: yes.

GeneDx
Classification: Uncertain significance. Last evaluated: 2021-11-03. Review status: criteria provided, single submitter. Criteria: GeneDx Variant Classification Process June 2021. Collection method: clinical testing. Allele origin: germline. Affected: yes.
Comment: Not observed at significant frequency in large population cohorts (Lek 2016); In silico analysis supports that this missense variant does not alter protein structure/function; Has not been previously published as pathogenic or benign to our knowledge

Counsyl
Classification: Uncertain significance for Familial adenomatous polyposis 1. Last evaluated: 2015-12-22. Review status: no assertion criteria provided. Collection method: clinical testing. Allele origin: unknown. Not counted in ClinVar's aggregate classification.

NM_000038.6(APC):c.280C>A (p.Arg94Ser)

Gene: APC (APC regulator of Wnt signaling pathway; plus strand). Cytogenetic location: 5q22.2.
Variant type: single nucleotide variant.
Coding change: c.280C>A on transcript NM_000038.6 (MANE Select); coding-DNA position 280, C replaced by A.
Protein change: p.Arg94Ser; replaces arginine 94 with serine.
Molecular consequence: missense variant. On other transcripts: 5 prime UTR variant (1).
Genome position (GRCh38, 1-based): chr5:112,767,248, C>A. VCF-style: chr5-112767248-C-A. GRCh37 (hg19) VCF-style: chr5-112102945-C-A.
Other names: c.280C>A, p.Arg94Ser (NM_001127510.3, NM_001354895.2, NM_001354896.2 and 2 more transcripts); c.310C>A, p.Arg104Ser (NM_001127511.3, NM_001354897.2, NM_001354902.2); c.205C>A, p.Arg69Ser (NM_001354898.2, NM_001354904.2); c.103C>A, p.Arg35Ser (NM_001354900.2, NM_001354901.2, NM_001354905.2); c.-756C>A (NM_001354906.2); short protein forms R104S, R94S, R35S, R69S.
Identifiers: ClinVar variation 371803 (VCV000371803.24), dbSNP rs550945533, ClinGen allele CA16021946.